The following is an entry in ClinVar:

NM_000059.4(BRCA2):c.6315A>C (p.Ile2105=)

Gene: BRCA2 (BRCA2 DNA repair associated; plus strand). Cytogenetic location: 13q13.1.
Variant type: single nucleotide variant.
Coding change: c.6315A>C on transcript NM_000059.4 (MANE Select); coding-DNA position 6315, A replaced by C.
Protein change: p.Ile2105=; no amino-acid change (isoleucine 2105 retained).
Molecular consequence: synonymous variant.
Genome position (GRCh38, 1-based): chr13:32,340,670, A>C. VCF-style: chr13-32340670-A-C. GRCh37 (hg19) VCF-style: chr13-32914807-A-C.
Other names: K2075N; 6543A>C.
Identifiers: ClinVar variation 91443 (VCV000091443.3), dbSNP rs398122552, ClinGen allele CA023863.
Genomic context (GRCh38, chr13:32,340,670, plus strand): 5'-AATCAGAACTGAGCATAGTCTTCACTATTCACCTACGTCTAGACAAAATGTATCAAAAAT[A>C]CTTCCTCGTGTTGATAAGAGAAACCCAGAGCACTGTGTAAACTCAGAAATGGAAAAAACC-3'
Protein context (NP_000050.3, residues 2095-2115): SPTSRQNVSK[Ile2105=]LPRVDKRNPE

ClinVar aggregate classification (germline): Likely benign. Review status: reviewed by expert panel (3 of 4 stars). 2 submissions from 2 submitters: Likely benign (1). 1 of the submissions does not count toward it. Last evaluated 2017-06-29.

Conditions:
Breast-ovarian cancer, familial, susceptibility to, 2 (BROVCA2). Also called: BRCA2 Hereditary Breast and Ovarian Cancer. Identifiers: Orphanet 145, MedGen C2675520, MONDO:0012933, OMIM 612555. Disease mechanism: loss of function.

Submissions (2):

Evidence-based Network for the Interpretation of Germline Mutant Alleles (ENIGMA)
Classification: Likely benign for Breast-ovarian cancer, familial, susceptibility to, 2. Last evaluated: 2017-06-29. Review status: reviewed by expert panel. Criteria: ENIGMA BRCA1/2 Classification Criteria (2017-06-29). Collection method: curation. Allele origin: germline.
Comment: Synonymous substitution variant, with low bioinformatic likelihood to result in a splicing aberration (Splicing prior probability 0.02).

Sharing Clinical Reports Project (SCRP)
Classification: Likely benign for Breast-ovarian cancer, familial 2. Last evaluated: 2012-06-13. Review status: no assertion criteria provided. Collection method: clinical testing. Allele origin: germline. Not counted in ClinVar's aggregate classification.